The following is an entry in ClinVar:

NM_019109.5(ALG1):c.772_789dup (p.Ser258_Arg263dup)

Gene: ALG1 (ALG1 chitobiosyldiphosphodolichol beta-mannosyltransferase; plus strand). Cytogenetic location: 16p13.3.
Variant type: Duplication.
Coding change: c.772_789dup on transcript NM_019109.5 (MANE Select); coding-DNA positions 772 to 789, 18 bases duplicated (TCGGCCTTCACGGAGCGG).
Protein change: p.Ser258_Arg263dup.
Molecular consequence: inframe insertion.
Genome position (GRCh38, 1-based): chr16:5,078,788-5,078,805, TCGGCCTTCACGGAGCGG duplicated; duplicating any 18 consecutive bases within chr16:5,078,777-5,078,805 gives the same sequence; the c. name uses the placement nearest the transcript's 3' end. VCF-style (leftmost placement, unchanged base first): chr16-5078776-G-GTCACGGAGCGGTCGGCCT. GRCh37 (hg19) VCF-style: chr16-5128777-G-GTCACGGAGCGGTCGGCCT.
Other names: c.439_456dup, p.Ser147_Arg152dup (NM_001330504.2).
Identifiers: ClinVar variation 972181 (VCV000972181.8), dbSNP rs1331794136, ClinGen allele CA620718245.

ClinVar aggregate classification (germline): Uncertain significance (1 of 4 stars; one submission).

Conditions:
ALG1-congenital disorder of glycosylation. Also called: CDG Ik; ALG1-CDG; CONGENITAL DISORDER OF GLYCOSYLATION, TYPE Ik. Identifiers: Orphanet 79327, MedGen C2931005, MONDO:0012052, OMIM 608540.

Submission:

Labcorp Genetics (formerly Invitae), Labcorp
Classification: Uncertain significance for ALG1-congenital disorder of glycosylation. Last evaluated: 2025-12-03. Review status: criteria provided, single submitter. Criteria: Invitae Variant Classification Sherloc (09022015). Collection method: clinical testing. Allele origin: germline.
Comment: This variant, c.772_789dup, results in the insertion of 6 amino acid(s) of the ALG1 protein (p.Ser258_Arg263dup), but otherwise preserves the integrity of the reading frame. This variant is present in population databases (no rsID available, gnomAD 0.006%). This variant has not been reported in the literature in individuals affected with ALG1-related conditions. ClinVar contains an entry for this variant (Variation ID: 972181). In summary, the available evidence is currently insufficient to determine the role of this variant in disease. Therefore, it has been classified as a Variant of Uncertain Significance.